The following is an entry in ClinVar:

NM_178138.6(LHX3):c.79+1902C>T

Gene: LHX3 (LIM homeobox 3; minus strand). Cytogenetic location: 9q34.3.
Variant type: single nucleotide variant.
Coding change: c.79+1902C>T on transcript NM_178138.6 (MANE Select); 1902 bases into the intron after coding-DNA position 79, C replaced by T.
Molecular consequence: intron variant. On other transcripts: missense variant (1).
Genome position (GRCh38, 1-based): chr9:136,203,032, G>A on the plus strand (C>T on the coding strand, the complement: LHX3 is on the minus strand). VCF-style: chr9-136203032-G-A. GRCh37 (hg19) VCF-style: chr9-139094878-G-A.
Other names: c.8C>T, p.Ala3Val (NM_014564.5); short protein forms A3V.
Identifiers: ClinVar variation 279836 (VCV000279836.19), dbSNP rs375579333, ClinGen allele CA5330627.
Genomic context (GRCh38, chr9:136,203,032, plus strand): 5'-AGCAGTGCTAGCAGCAGGTCGCCTCCCGCCGACTCCCGGGCCGGGCCCAGCTCCCCGCGC[G>A]CCTCCATGGGTCCCGCCGCCCGGCGTCGCCACTCTCCAGTCCCGAACTTTCCCGGGCCCA-3'

ClinVar aggregate classification (germline): Conflicting classifications of pathogenicity. Review status: criteria provided, conflicting classifications (1 of 4 stars). 9 submissions from 9 submitters: Uncertain significance (3); Likely benign (4). 2 of the submissions do not count toward it. Last evaluated 2025-07-23.

Conditions:
LHX3-related disorder. Also called: LHX3-related condition.
Combined pituitary hormone deficiencies, genetic form. Also called: Pituitary hormone deficiency, combined. Identifiers: Orphanet 95494, MedGen C4273747, MONDO:0013099.
Non-acquired combined pituitary hormone deficiency with spine abnormalities (CPHD3). Also called: Winkelman Bethge Pfeiffer syndrome; WBP syndrome; Combined pituitary hormone deficiency type 3. Identifiers: Orphanet 231720, MedGen C3489787, MONDO:0009091, OMIM 221750.

Allele frequency attached by ClinVar (database versions not stated): 1000 Genomes Project 0.00040; TOPMed 0.00068; ESP Exome Variant Server 0.00069; 1000 Genomes Project 30x 0.00078; gnomAD exomes 0.00081; gnomAD 0.00086 and 0.00087; ExAC 0.00087.
gnomAD v4.1: 1,953 of 1,519,580 alleles (0.13%); highest among the groups gnomAD compares: Non-Finnish European, 0.15%; 1 homozygote.

Submissions (9):

PreventionGenetics, part of Exact Sciences
Classification: Likely benign for LHX3-related condition. Last evaluated: 2025-07-23. Review status: criteria provided, single submitter. Criteria: ACMG Guidelines, 2015. Collection method: clinical testing. Allele origin: germline.
Comment: This variant is classified as likely benign based on ACMG/AMP sequence variant interpretation guidelines (Richards et al. 2015 PMID: 25741868, with internal and published modifications).

Labcorp Genetics (formerly Invitae), Labcorp
Classification: Uncertain significance. Last evaluated: 2025-01-15. Review status: criteria provided, single submitter. Criteria: Invitae Variant Classification Sherloc (09022015). Collection method: clinical testing. Allele origin: germline.
Comment: This sequence change replaces alanine, which is neutral and non-polar, with valine, which is neutral and non-polar, at codon 3 of the LHX3 protein (p.Ala3Val). This variant is present in population databases (rs375579333, gnomAD 0.1%), including at least one homozygous and/or hemizygous individual. This variant has not been reported in the literature in individuals affected with LHX3-related conditions. ClinVar contains an entry for this variant (Variation ID: 279836). An algorithm developed to predict the effect of missense changes on protein structure and function (PolyPhen-2) suggests that this variant is likely to be disruptive. In summary, the available evidence is currently insufficient to determine the role of this variant in disease. Therefore, it has been classified as a Variant of Uncertain Significance.

Blueprint Genetics
Classification: Likely benign. Last evaluated: 2024-11-05. Review status: criteria provided, single submitter. Criteria: ACMG Guidelines, 2015. Collection method: clinical testing. Allele origin: germline.

Women's Health and Genetics/Laboratory Corporation of America, LabCorp
Classification: Likely benign. Last evaluated: 2024-04-25. Review status: criteria provided, single submitter. Criteria: LabCorp Variant Classification Summary - May 2015. Collection method: clinical testing. Allele origin: germline.
Comment: Variant summary: LHX3 c.8C>T (p.Ala3Val) results in a non-conservative amino acid change in the encoded protein sequence. Three of five in-silico tools predict a damaging effect of the variant on protein function. The variant allele was found at a frequency of 0.0013 in 1519580 control chromosomes, predominantly at a frequency of 0.0015 within the Non-Finnish European subpopulation in the gnomAD database. The observed variant frequency within Non-Finnish European control individuals in the gnomAD database (v4.0.0) is higher than the estimated maximal expected allele frequency for a pathogenic variant in LHX3 causing Combined Pituitary Hormone Deficiency phenotype (0.0013), strongly suggesting that the variant is a benign polymorphism found primarily in populations of Non-Finnish European origin. To our knowledge, no occurrence of c.8C>T in individuals affected with Combined Pituitary Hormone Deficiency and no experimental evidence demonstrating its impact on protein function have been reported. ClinVar contains an entry for this variant (Variation ID: 279836). Based on the evidence outlined above, the variant was classified as likely benign.

Fulgent Genetics
Classification: Uncertain significance for Non-acquired combined pituitary hormone deficiency with spine abnormalities. Last evaluated: 2018-10-31. Review status: criteria provided, single submitter. Criteria: ACMG Guidelines, 2015. Collection method: clinical testing. Allele origin: unknown.

GeneDx
Classification: Likely benign. Last evaluated: 2018-04-26. Review status: criteria provided, single submitter. Criteria: GeneDx Variant Classification Process June 2021. Collection method: clinical testing. Allele origin: germline. Affected: yes.

Illumina Laboratory Services, Illumina
Classification: Uncertain significance for Non-acquired combined pituitary hormone deficiency with spine abnormalities. Last evaluated: 2017-04-27. Review status: criteria provided, single submitter. Criteria: ICSL Variant Classification Criteria 13 December 2019. Collection method: clinical testing. Allele origin: germline.

Genetic Services Laboratory, University of Chicago
Classification: Likely benign. Last evaluated: 2022-12-19. Review status: no assertion criteria provided. Collection method: clinical testing. Allele origin: germline. Affected: no. Not counted in ClinVar's aggregate classification.

Natera, Inc.
Classification: Uncertain significance for Combined pituitary hormone deficiency. Last evaluated: 2020-01-17. Review status: no assertion criteria provided. Collection method: clinical testing. Allele origin: germline. Not counted in ClinVar's aggregate classification.